The following is an entry in ClinVar:

ClinVar aggregate classification (germline): Pathogenic (1 of 4 stars; one submission).

Conditions:
Neurofibromatosis, type 1 (NF1). Also called: VON RECKLINGHAUSEN DISEASE; Peripheral type neurofibromatosis; NEUROFIBROMATOSIS, TYPE I, SOMATIC; Neurofibromatosis, type I. Identifiers: Orphanet 636, MedGen C0027831, MONDO:0018975, OMIM 162200. Disease mechanism: loss of function.

Submission:

Labcorp Genetics (formerly Invitae), Labcorp
Classification: Pathogenic for Neurofibromatosis, type 1. Last evaluated: 2024-01-25. Review status: criteria provided, single submitter. Criteria: Invitae Variant Classification Sherloc (09022015). Collection method: clinical testing. Allele origin: germline.
Comment: This sequence change creates a premature translational stop signal (p.Tyr692*) in the NF1 gene. It is expected to result in an absent or disrupted protein product. Loss-of-function variants in NF1 are known to be pathogenic (PMID: 10712197, 23913538). This variant is not present in population databases (gnomAD no frequency). This variant has not been reported in the literature in individuals affected with NF1-related conditions. For these reasons, this variant has been classified as Pathogenic.

Literature cited by the submitters: PubMed 10712197; PubMed 23913538.

NM_001042492.3(NF1):c.2076del (p.Leu691_Tyr692insTer)

Gene: NF1 (neurofibromin 1; plus strand). Cytogenetic location: 17q11.2.
Variant type: Deletion.
Coding change: c.2076del on transcript NM_001042492.3 (MANE Select); coding-DNA position 2076, one base deleted (C; older notation c.2076delC).
Protein change: p.Leu691_Tyr692insTer.
Molecular consequence: nonsense. On other transcripts: frameshift variant (1).
Genome position (GRCh38, 1-based): chr17:31,226,509, C deleted. VCF-style (leftmost placement, unchanged base first): chr17-31226508-AC-A. GRCh37 (hg19) VCF-style: chr17-29553526-AC-A.
Other names: c.2076delC, p.Tyr692Terfs (NM_000267.4).
Identifiers: ClinVar variation 3633289 (VCV003633289.2).
Genomic context (GRCh38, chr17:31,226,508, plus strand): 5'-GATGCAGCGGAACCCCCCCGATTTGCCGACAAGCCCAGACCAAACTAGAAGTGGCCCTGT[AC>A]ATGTTTCTGTGGAACCCTGACACTGAAGCTGTTCTGGTTGCCATGTCCTGTTTCCGCCAC-3'